The following is an entry in ClinVar:

NM_001394998.1(TANC2):c.6154T>C (p.Ser2052Pro)

Gene: TANC2 (tetratricopeptide repeat, ankyrin repeat and coiled-coil containing 2; plus strand). Cytogenetic location: 17q23.3.
Variant type: single nucleotide variant.
Coding change: c.6154T>C on transcript NM_001394998.1 (MANE Select); coding-DNA position 6154, T replaced by C.
Protein change: p.Ser2052Pro; replaces serine 2052 with proline.
Molecular consequence: missense variant.
Genome position (GRCh38, 1-based): chr17:63,421,884, T>C. VCF-style: chr17-63421884-T-C. GRCh37 (hg19) VCF-style: chr17-61499245-T-C.
Other names: c.5932T>C, p.Ser1978Pro (NM_001411076.1); c.5902T>C, p.Ser1968Pro (NM_025185.4); short protein forms S1968P, S1978P, S2052P.
Identifiers: ClinVar variation 3068772 (VCV003068772.2), dbSNP rs2510612687, ClinGen allele CA400548908.
Genomic context (GRCh38, chr17:63,421,884, plus strand): 5'-AAGGTAGCTCGGACTCTACCTGTGGCTCAGGCATACCAGGACAACCTGTACAGGCAGCTG[T>C]CCCGAGACTCTCGGCAAGGGCAGACATCCCCTATCAAACCAAAGAGACCGTTCGTGGAGT-3'
Protein context (NP_001381927.1, residues 2042-2062): AYQDNLYRQL[Ser2052Pro]RDSRQGQTSP

ClinVar aggregate classification (germline): Uncertain significance (1 of 4 stars; one submission).

Submission:

Women's Health and Genetics/Laboratory Corporation of America, LabCorp
Classification: Uncertain significance. Last evaluated: 2024-02-27. Review status: criteria provided, single submitter. Criteria: LabCorp Variant Classification Summary - May 2015. Collection method: clinical testing. Allele origin: germline.
Comment: Variant summary: TANC2 c.5902T>C (p.Ser1968Pro) results in a non-conservative amino acid change in the encoded protein sequence. Three of five in-silico tools predict a damaging effect of the variant on protein function. The variant was absent in 249036 control chromosomes (gnomAD). The available data on variant occurrences in the general population are insufficient to allow any conclusion about variant significance. To our knowledge, no occurrence of c.5902T>C in individuals affected with Intellectual Developmental Disorder With Autistic Features And Language Delay, With Or Without Seizures and no experimental evidence demonstrating its impact on protein function have been reported. No submitters have cited clinical-significance assessments for this variant to ClinVar. Based on the evidence outlined above, the variant was classified as uncertain significance.